The following is an entry in ClinVar:

ClinVar aggregate classification (germline): Pathogenic (1 of 4 stars; one submission).

Conditions:
Aortic aneurysm, familial thoracic 7 (AAT7). Also called: AORTIC DISSECTION, FAMILIAL, WITH OR WITHOUT AORTIC ANEURYSM. Identifiers: MedGen C3151077, MONDO:0013418, OMIM 613780.

Submission:

Labcorp Genetics (formerly Invitae), Labcorp
Classification: Pathogenic for Aortic aneurysm, familial thoracic 7. Last evaluated: 2024-04-15. Review status: criteria provided, single submitter. Criteria: Invitae Variant Classification Sherloc (09022015). Collection method: clinical testing. Allele origin: germline.
Comment: This sequence change creates a premature translational stop signal (p.Gln1508*) in the MYLK gene. This variant occurs within the aortic-specific isoform of MYLK. Loss-of-function variants in the aortic-specific isoform of MYLK are known to be pathogenic for thoracic aortic dissections (PMID: 21055718). This variant is not present in population databases (gnomAD no frequency). This variant has not been reported in the literature in individuals affected with MYLK-related conditions. For these reasons, this variant has been classified as Pathogenic.

Literature cited by the submitters: PubMed 21055718.

NM_053025.4(MYLK):c.4522C>T (p.Gln1508Ter)

Gene: MYLK (myosin light chain kinase; minus strand). Cytogenetic location: 3q21.1.
Variant type: single nucleotide variant.
Coding change: c.4522C>T on transcript NM_053025.4 (MANE Select); coding-DNA position 4522, C replaced by T.
Protein change: p.Gln1508Ter; replaces glutamine 1508 with a stop codon.
Molecular consequence: nonsense.
Genome position (GRCh38, 1-based): chr3:123,647,321, G>A on the plus strand (C>T on the coding strand, the complement: MYLK is on the minus strand). VCF-style: chr3-123647321-G-A. GRCh37 (hg19) VCF-style: chr3-123366168-G-A.
Other names: c.3994C>T, p.Gln1332Ter (NM_001321309.2); c.4315C>T, p.Gln1439Ter (NM_053026.4, NM_053028.4); c.4522C>T, p.Gln1508Ter (NM_053027.4); short protein forms Q1439*, Q1332*, Q1508*.
Identifiers: ClinVar variation 3649921 (VCV003649921.2).
Genomic context (GRCh38, chr3:123,647,321, plus strand): 5'-AGGCATCCACACACTGGACCAGCTTAGGGTGGTGGAGGCAGTTCATGATGCTAATCTCCT[G>A]CCGGATATTCTCTTTCTCTTTTGCTGAATATGCCTTGAAGAACTTCCCTGCCCAGACTTT-3'